The following is an entry in ClinVar:

ClinVar aggregate classification (germline): Uncertain significance. Review status: criteria provided, multiple submitters, no conflicts (2 of 4 stars). 2 submissions from 2 submitters: Uncertain significance (2). Last evaluated 2025-08-28.

Conditions:
Catecholaminergic polymorphic ventricular tachycardia 1. Also called: RYR2-Related Catecholaminergic Polymorphic Ventricular Tachycardia; VENTRICULAR TACHYCARDIA, CATECHOLAMINERGIC POLYMORPHIC, 1, WITH OR WITHOUT ATRIAL DYSFUNCTION AND/OR DILATED CARDIOMYOPATHY; VENTRICULAR TACHYCARDIA, STRESS-INDUCED POLYMORPHIC 1. Identifiers: Orphanet 3286, MedGen C1631597, MONDO:0011484, OMIM 604772.
Cardiovascular phenotype. Identifiers: MedGen CN230736.

Allele frequency attached by ClinVar (database versions not stated): TOPMed below 0.00001.

Submissions (2):

Ambry Genetics
Classification: Uncertain significance for Cardiovascular phenotype. Last evaluated: 2025-08-28. Review status: criteria provided, single submitter. Criteria: Ambry Variant Classification Scheme 2023. Collection method: clinical testing. Allele origin: germline.
Comment: The p.Y697C variant (also known as c.2090A>G), located in coding exon 41 of the TRDN gene, results from an A to G substitution at nucleotide position 2090. The tyrosine at codon 697 is replaced by cysteine, an amino acid with highly dissimilar properties. This amino acid position is conserved. In addition, the in silico prediction for this alteration is inconclusive. Based on the available evidence, the clinical significance of this variant remains unclear.

Labcorp Genetics (formerly Invitae), Labcorp
Classification: Uncertain significance for Catecholaminergic polymorphic ventricular tachycardia 1. Last evaluated: 2023-08-04. Review status: criteria provided, single submitter. Criteria: Invitae Variant Classification Sherloc (09022015). Collection method: clinical testing. Allele origin: germline.
Comment: This sequence change replaces tyrosine, which is neutral and polar, with cysteine, which is neutral and slightly polar, at codon 697 of the TRDN protein (p.Tyr697Cys). This variant is not present in population databases (gnomAD no frequency). This variant has not been reported in the literature in individuals affected with TRDN-related conditions. An algorithm developed to predict the effect of missense changes on protein structure and function (PolyPhen-2) suggests that this variant is likely to be disruptive. In summary, the available evidence is currently insufficient to determine the role of this variant in disease. Therefore, it has been classified as a Variant of Uncertain Significance.

NM_006073.4(TRDN):c.2090A>G (p.Tyr697Cys)

Gene: TRDN (triadin; minus strand). Cytogenetic location: 6q22.31.
Variant type: single nucleotide variant.
Coding change: c.2090A>G on transcript NM_006073.4 (MANE Select); coding-DNA position 2090, A replaced by G.
Protein change: p.Tyr697Cys; replaces tyrosine 697 with cysteine.
Molecular consequence: missense variant.
Genome position (GRCh38, 1-based): chr6:123,218,701, T>C on the plus strand (A>G on the coding strand, the complement: TRDN is on the minus strand). VCF-style: chr6-123218701-T-C. GRCh37 (hg19) VCF-style: chr6-123539846-T-C.
Other names: c.2090A>G (NM_006073.2); short protein forms Y697C.
Identifiers: ClinVar variation 2879198 (VCV002879198.4), dbSNP rs1442641149, ClinGen allele CA365564653.
Genomic context (GRCh38, chr6:123,218,701, plus strand): 5'-CCAGAGCTCTCTCCAGGGCGGTCTGCAGGAGTGAAAGGAAACTGAAATCCATAGCCATTG[T>C]ACCCATCCAAGTAGACACACTGGAAGAAACTGATGGGACCTAAGGAACAGAGCATGACAG-3'
Protein context (NP_006064.2, residues 687-707): SFFQCVYLDG[Tyr697Cys]NGYGFQFPFT